The following is an entry in ClinVar:

ClinVar aggregate classification (germline): Likely benign. Review status: criteria provided, single submitter (1 of 4 stars). 2 submissions from 2 submitters: Likely benign (1). 1 of the submissions does not count toward it. Last evaluated 2023-11-21.

Conditions:
KDM5A-related disorder. Also called: KDM5A-related condition.

Submissions (2):

Blueprint Genetics
Classification: Likely benign. Last evaluated: 2023-11-21. Review status: criteria provided, single submitter. Criteria: ACMG Guidelines, 2015. Collection method: clinical testing. Allele origin: germline.

PreventionGenetics, part of Exact Sciences
Classification: Likely benign for KDM5A-related condition. Last evaluated: 2019-09-30. Review status: no assertion criteria provided. Collection method: clinical testing. Allele origin: germline. Not counted in ClinVar's aggregate classification.
Comment: This variant is classified as likely benign based on ACMG/AMP sequence variant interpretation guidelines (Richards et al. 2015 PMID: 25741868, with internal and published modifications).

NM_001042603.3(KDM5A):c.2151-17_2151-5dup

Gene: KDM5A (lysine demethylase 5A; minus strand). Cytogenetic location: 12p13.33.
Variant type: Duplication.
Coding change: c.2151-17_2151-5dup on transcript NM_001042603.3 (MANE Select); 17 bases into the intron before coding-DNA position 2151 through 5 bases into the intron before coding-DNA position 2151, 13 bases duplicated (TTTTTTTTTTTTT).
Molecular consequence: intron variant.
Genome position (GRCh38, 1-based): chr12:323,211-323,223, AAAAAAAAAAAAA duplicated on the plus strand (TTTTTTTTTTTTT on the coding strand, the reverse complement: KDM5A is on the minus strand); duplicating any 13 consecutive bases within chr12:323,211-323,239 gives the same sequence; the c. name uses the placement nearest the transcript's 3' end. VCF-style (leftmost placement, unchanged base first): chr12-323210-C-CAAAAAAAAAAAAA. GRCh37 (hg19) VCF-style: chr12-432376-C-CAAAAAAAAAAAAA.
Identifiers: ClinVar variation 3035222 (VCV003035222.3), dbSNP rs60377454, ClinGen allele CA943918270.